The following is an entry in ClinVar:

ClinVar aggregate classification (germline): Uncertain significance (1 of 4 stars; one submission).

Conditions:
Cardiovascular phenotype. Identifiers: MedGen CN230736.

Allele frequency attached by ClinVar (database versions not stated): gnomAD 0.00001.
gnomAD v4.1: 1 of 1,613,528 alleles (0.000062%); highest among the groups gnomAD compares: Admixed American, 0.0017%; no homozygotes.

Submission:

Ambry Genetics
Classification: Uncertain significance for Cardiovascular phenotype. Last evaluated: 2023-11-15. Review status: criteria provided, single submitter. Criteria: Ambry Variant Classification Scheme 2023. Collection method: clinical testing. Allele origin: germline.
Comment: The p.P52L variant (also known as c.155C>T), located in coding exon 2 of the RIT1 gene, results from a C to T substitution at nucleotide position 155. The proline at codon 52 is replaced by leucine, an amino acid with similar properties. This amino acid position is conserved. In addition, this alteration is predicted to be deleterious by in silico analysis. Since supporting evidence is limited at this time, the clinical significance of this alteration remains unclear.

NM_006912.6(RIT1):c.155C>T (p.Pro52Leu)

Gene: RIT1 (Ras like without CAAX 1; minus strand). Cytogenetic location: 1q22.
Variant type: single nucleotide variant.
Coding change: c.155C>T on transcript NM_006912.6 (MANE Select); coding-DNA position 155, C replaced by T.
Protein change: p.Pro52Leu; replaces proline 52 with leucine.
Molecular consequence: missense variant.
Genome position (GRCh38, 1-based): chr1:155,910,458, G>A on the plus strand (C>T on the coding strand, the complement: RIT1 is on the minus strand). VCF-style: chr1-155910458-G-A. GRCh37 (hg19) VCF-style: chr1-155880249-G-A.
Other names: c.47C>T, p.Pro16Leu (NM_001256820.2); c.206C>T, p.Pro69Leu (NM_001256821.2); short protein forms P16L, P52L, P69L.
Identifiers: ClinVar variation 3225953 (VCV003225953.1), dbSNP rs1673568262, ClinGen allele CA342775960.
Genomic context (GRCh38, chr1:155,910,458, plus strand): 5'-TAAGATATTTTTATGGGGTATATTTGGAAACATAAGTGATGATCTGGCTTACCAATGGTG[G>A]GATCATGATCTTCTGGGAATCGGTGGCTGATGAACTGCATGGTCATGGCTTCAAAAGAAG-3'
Protein context (NP_008843.1, residues 42-62): ISHRFPEDHD[Pro52Leu]TIEDAYKIRI